The following is an entry in ClinVar:

ClinVar aggregate classification (germline): Uncertain significance (1 of 4 stars; one submission).

gnomAD v4.1: 11 of 1,612,602 alleles (0.00068%); highest among the groups gnomAD compares: Admixed American, 0.018%; no homozygotes.

Submission:

CeGaT Center for Human Genetics Tuebingen
Classification: Uncertain significance. Last evaluated: 2026-03-01. Review status: criteria provided, single submitter. Criteria: CeGaT Center For Human Genetics Tuebingen Variant Classification Criteria Version 2. Collection method: clinical testing. Allele origin: germline. Affected: yes. Observed: 1 variant allele.
Comment: PIGQ: PM2, PM3:Supporting, BP4

NM_004204.5(PIGQ):c.*444A>C

Gene: PIGQ (phosphatidylinositol glycan anchor biosynthesis class Q; plus strand). Cytogenetic location: 16p13.3.
Variant type: single nucleotide variant.
Coding change: c.*444A>C on transcript NM_004204.5 (MANE Select); 444 bases downstream of the stop codon, A replaced by C.
Molecular consequence: 3 prime UTR variant. On other transcripts: missense variant (1).
Genome position (GRCh38, 1-based): chr16:583,479, A>C. VCF-style: chr16-583479-A-C. GRCh37 (hg19) VCF-style: chr16-633479-A-C.
Other names: c.2128A>C, p.Ser710Arg (NM_148920.4); short protein forms S710R.
Identifiers: ClinVar variation 4823697 (VCV004823697.4).